The following is an entry in ClinVar:

NM_004415.4(DSP):c.4072G>A (p.Glu1358Lys)

Gene: DSP (desmoplakin; plus strand). Cytogenetic location: 6p24.3.
Variant type: single nucleotide variant.
Coding change: c.4072G>A on transcript NM_004415.4 (MANE Select); coding-DNA position 4072, G replaced by A.
Protein change: p.Glu1358Lys; replaces glutamic acid 1358 with lysine.
Molecular consequence: missense variant. On other transcripts: intron variant (2).
Genome position (GRCh38, 1-based): chr6:7,580,262, G>A. VCF-style: chr6-7580262-G-A. GRCh37 (hg19) VCF-style: chr6-7580495-G-A.
Other names: c.4050+22G>A (NM_001319034.2); c.3582+490G>A (NM_001008844.3); short protein forms E1358K.
Identifiers: ClinVar variation 2940304 (VCV002940304.3), dbSNP rs2533927328, ClinGen allele CA362685487.

ClinVar aggregate classification (germline): Uncertain significance (1 of 4 stars; one submission).

Conditions:
Arrhythmogenic cardiomyopathy with wooly hair and keratoderma. Also called: PALMOPLANTAR KERATODERMA WITH LEFT VENTRICULAR CARDIOMYOPATHY AND WOOLLY HAIR; Carvajal syndrome; Dilated cardiomyopathy with woolly hair and keratoderma; Arrhythmogenic cardiomyopathy with woolly hair and keratoderma. Identifiers: Orphanet 65282, MedGen C1854063, MONDO:0011581, OMIM 605676.
Arrhythmogenic right ventricular dysplasia 8 (ARVD8). Also called: Arrhythmogenic Right Ventricular Dysplasia/Cardiomyopathy 8; ARRHYTHMOGENIC RIGHT VENTRICULAR DYSPLASIA, FAMILIAL, 8; ARRHYTHMOGENIC RIGHT VENTRICULAR CARDIOMYOPATHY 8. Identifiers: MedGen C1843896, MONDO:0011831, OMIM 607450.

Submission:

Labcorp Genetics (formerly Invitae), Labcorp
Classification: Uncertain significance for Arrhythmogenic cardiomyopathy with wooly hair and keratoderma; Arrhythmogenic right ventricular dysplasia 8. Last evaluated: 2023-01-22. Review status: criteria provided, single submitter. Criteria: Invitae Variant Classification Sherloc (09022015). Collection method: clinical testing. Allele origin: germline.
Comment: In summary, the available evidence is currently insufficient to determine the role of this variant in disease. Therefore, it has been classified as a Variant of Uncertain Significance. Algorithms developed to predict the effect of missense changes on protein structure and function are either unavailable or do not agree on the potential impact of this missense change (SIFT: "Deleterious"; PolyPhen-2: "Possibly Damaging"; Align-GVGD: "Class C0"). This variant has not been reported in the literature in individuals affected with DSP-related conditions. This variant is not present in population databases (gnomAD no frequency). This sequence change replaces glutamic acid, which is acidic and polar, with lysine, which is basic and polar, at codon 1358 of the DSP protein (p.Glu1358Lys).